The following is an entry in ClinVar:

ClinVar aggregate classification (germline): Uncertain significance (1 of 4 stars; one submission).

Submission:

Dasa
Classification: Uncertain significance. Last evaluated: 2026-02-20. Review status: criteria provided, single submitter. Criteria: DASA Assertion Criteria. Collection method: clinical testing. Allele origin: germline.
Comment: NM_133433.4(NIPBL):c.3305C>T (p.Ser1102Phe) is a missense variant that results in the substitution of serine with phenylalanine. This variant is rare in population databases. Computational prediction algorithms are consistent with a deleterious effect. The currently available literature and clinical evidence are not sufficient to establish a definitive association between this variant and the reported condition. Therefore, this variant is classified as a variant of uncertain significance.

NM_133433.4(NIPBL):c.3305C>T (p.Ser1102Phe)

Gene: NIPBL (NIPBL cohesin loading factor; plus strand). Cytogenetic location: 5p13.2.
Variant type: single nucleotide variant.
Coding change: c.3305C>T on transcript NM_133433.4 (MANE Select); coding-DNA position 3305, C replaced by T.
Protein change: p.Ser1102Phe; replaces serine 1102 with phenylalanine.
Molecular consequence: missense variant.
Genome position (GRCh38, 1-based): chr5:37,000,373, C>T. VCF-style: chr5-37000373-C-T. GRCh37 (hg19) VCF-style: chr5-37000475-C-T.
Other names: c.3305C>T, p.Ser1102Phe (NM_001438586.1, NM_015384.5); short protein forms S1102F.
Identifiers: ClinVar variation 4886733 (VCV004886733.2).